The following is an entry in ClinVar:

ClinVar aggregate classification (germline): Uncertain significance (1 of 4 stars; one submission).

Conditions:
Perlman syndrome (PRLMNS). Identifiers: Orphanet 2849, MedGen C0796113, MONDO:0009965, OMIM 267000.

Allele frequency attached by ClinVar (database versions not stated): TOPMed below 0.00001.

Submission:

Labcorp Genetics (formerly Invitae), Labcorp
Classification: Uncertain significance for Perlman syndrome. Last evaluated: 2022-06-20. Review status: criteria provided, single submitter. Criteria: Invitae Variant Classification Sherloc (09022015). Collection method: clinical testing. Allele origin: germline.
Comment: This variant is not present in population databases (gnomAD no frequency). In summary, the available evidence is currently insufficient to determine the role of this variant in disease. Therefore, it has been classified as a Variant of Uncertain Significance. Algorithms developed to predict the effect of sequence changes on RNA splicing suggest that this variant may create or strengthen a splice site. This variant has not been reported in the literature in individuals affected with DIS3L2-related conditions. This sequence change affects codon 474 of the DIS3L2 mRNA. It is a 'silent' change, meaning that it does not change the encoded amino acid sequence of the DIS3L2 protein.

NM_152383.5(DIS3L2):c.1422C>T (p.Gly474=)

Gene: DIS3L2 (DIS3 like 3'-5' exoribonuclease 2; plus strand). Cytogenetic location: 2q37.1.
Variant type: single nucleotide variant.
Coding change: c.1422C>T on transcript NM_152383.5 (MANE Select); coding-DNA position 1422, C replaced by T.
Protein change: p.Gly474=; no amino-acid change (glycine 474 retained).
Molecular consequence: synonymous variant. On other transcripts: non-coding transcript variant (2).
Genome position (GRCh38, 1-based): chr2:232,249,343, C>T. VCF-style: chr2-232249343-C-T. GRCh37 (hg19) VCF-style: chr2-233114053-C-T.
Other names: c.1422C>T, p.Gly474= (NM_001257281.2).
Identifiers: ClinVar variation 1363349 (VCV001363349.8), dbSNP rs1693357062, ClinGen allele CA431914437.
Genomic context (GRCh38, chr2:232,249,343, plus strand): 5'-CCTCAACCCCATGTCCGACAAGCTGACCTTCTCTGTGATCTGGACACTGACTCCAGAGGG[C>T]AAGGTAACAACTTACACGTTTTCTTTCTCCACTTACCTCTTTTCTGTTCCATGAGTCATG-3'
Protein context (NP_689596.4, residues 464-484): FSVIWTLTPE[Gly474=]KILDEWFGRT